The following is an entry in ClinVar:

NM_001009944.3(PKD1):c.6330C>T (p.Ala2110=)

Gene: PKD1 (polycystin 1, transient receptor potential channel interacting; minus strand). Cytogenetic location: 16p13.3.
Variant type: single nucleotide variant.
Coding change: c.6330C>T on transcript NM_001009944.3 (MANE Select); coding-DNA position 6330, C replaced by T.
Protein change: p.Ala2110=; no amino-acid change (alanine 2110 retained).
Molecular consequence: synonymous variant.
Genome position (GRCh38, 1-based): chr16:2,108,837, G>A on the plus strand (C>T on the coding strand, the complement: PKD1 is on the minus strand). VCF-style: chr16-2108837-G-A. GRCh37 (hg19) VCF-style: chr16-2158838-G-A.
Other names: c.6330C>T, p.Ala2110= (NM_000296.4).
Identifiers: ClinVar variation 2646011 (VCV002646011.25), dbSNP rs148814691, ClinGen allele CA7831632.
Genomic context (GRCh38, chr16:2,108,837, plus strand): 5'-CACCAGGTTGGAGGCGTTCACCTGCACGCGGTAGTCCCCAGGCCTCAGGTAGGAGTGCTC[G>A]GCCCTGGGCTCATCTGTGTCCTGCCCTGGCGACCCATCCCCAAAGTCCCAGTGGTAGGCC-3'
Protein context (NP_001009944.3, residues 2100-2120): SPGQDTDEPR[Ala2110=]EHSYLRPGDY

ClinVar aggregate classification (germline): Likely benign. Review status: criteria provided, multiple submitters, no conflicts (2 of 4 stars). 2 submissions from 2 submitters: Likely benign (2). Last evaluated 2026-04-01.

Conditions:
PKD1-related disorder. Also called: PKD1-related condition.

Allele frequency attached by ClinVar (database versions not stated): ESP Exome Variant Server 0.00016; ExAC 0.00029.
gnomAD v4.1: 126 of 1,571,004 alleles (0.008%); highest among the groups gnomAD compares: Middle Eastern, 0.022%; 1 homozygote.

Submissions (2):

PreventionGenetics, part of Exact Sciences
Classification: Likely benign for PKD1-related condition. Last evaluated: 2026-04-01. Review status: criteria provided, single submitter. Criteria: ACMG Guidelines, 2015. Collection method: clinical testing. Allele origin: germline.
Comment: This variant is classified as likely benign based on ACMG/AMP sequence variant interpretation guidelines (Richards et al. 2015 PMID: 25741868, with internal and published modifications).

CeGaT Center for Human Genetics Tuebingen
Classification: Likely benign. Last evaluated: 2022-03-01. Review status: criteria provided, single submitter. Criteria: CeGaT Center For Human Genetics Tuebingen Variant Classification Criteria Version 2. Collection method: clinical testing. Allele origin: germline. Affected: yes. Observed: 1 variant allele.
Comment: PKD1: BP4, BP7